The following is an entry in ClinVar:

NM_001128148.3(TFRC):c.1517T>C (p.Ile506Thr)

Gene: TFRC (transferrin receptor; minus strand). Cytogenetic location: 3q29.
Variant type: single nucleotide variant.
Coding change: c.1517T>C on transcript NM_001128148.3 (MANE Select); coding-DNA position 1517, T replaced by C.
Protein change: p.Ile506Thr; replaces isoleucine 506 with threonine.
Molecular consequence: missense variant.
Genome position (GRCh38, 1-based): chr3:196,060,199, A>G on the plus strand (T>C on the coding strand, the complement: TFRC is on the minus strand). VCF-style: chr3-196060199-A-G. GRCh37 (hg19) VCF-style: chr3-195787070-A-G.
Other names: c.1274T>C, p.Ile425Thr (NM_001313965.2); c.671T>C, p.Ile224Thr (NM_001313966.2); c.1517T>C, p.Ile506Thr (NM_003234.4); short protein forms I224T, I425T, I506T.
Identifiers: ClinVar variation 1406118 (VCV001406118.8), dbSNP rs780604757, ClinGen allele CA2777883.
Genomic context (GRCh38, chr3:196,060,199, plus strand): 5'-AAAATTAAGTCATACATTTTTGTAATGAGGTATATACTCACATTTTGCATTGTTTTCTCA[A>G]TAAGCGTATACAACAGTGGGCTGGCAGAAACCTTGAAGTTGCTGGTACCTGAAAATAAAT-3'
Protein context (NP_001121620.1, residues 496-516): VSASPLLYTL[Ile506Thr]EKTMQNVKHP

ClinVar aggregate classification (germline): Uncertain significance (1 of 4 stars; one submission).

Allele frequency attached by ClinVar (database versions not stated): gnomAD exomes below 0.00001; ExAC 0.00001; gnomAD 0.00001; TOPMed 0.00001.
gnomAD v4.1: 10 of 1,613,840 alleles (0.00062%); highest among the groups gnomAD compares: African/African-American, 0.0013%; no homozygotes.

Submission:

Labcorp Genetics (formerly Invitae), Labcorp
Classification: Uncertain significance. Last evaluated: 2024-10-21. Review status: criteria provided, single submitter. Criteria: Invitae Variant Classification Sherloc (09022015). Collection method: clinical testing. Allele origin: germline.
Comment: This sequence change replaces isoleucine, which is neutral and non-polar, with threonine, which is neutral and polar, at codon 506 of the TFRC protein (p.Ile506Thr). This variant is present in population databases (rs780604757, gnomAD no frequency). This variant has not been reported in the literature in individuals affected with TFRC-related conditions. ClinVar contains an entry for this variant (Variation ID: 1406118). Invitae Evidence Modeling of protein sequence and biophysical properties (such as structural, functional, and spatial information, amino acid conservation, physicochemical variation, residue mobility, and thermodynamic stability) has been performed for this missense variant. However, the output from this modeling did not meet the statistical confidence thresholds required to predict the impact of this variant on TFRC protein function. In summary, the available evidence is currently insufficient to determine the role of this variant in disease. Therefore, it has been classified as a Variant of Uncertain Significance.